The following is an entry in ClinVar:

ClinVar aggregate classification (germline): Uncertain significance. Review status: criteria provided, multiple submitters, no conflicts (2 of 4 stars). 3 submissions from 3 submitters: Uncertain significance (3). Last evaluated 2023-07-19.

Conditions:
Primary ciliary dyskinesia 28. Also called: CILIARY DYSKINESIA, PRIMARY, 28, WITH OR WITHOUT SITUS INVERSUS. Identifiers: Orphanet 244, MedGen C3809706, MONDO:0014216, OMIM 615505.

Allele frequency attached by ClinVar (database versions not stated): TOPMed 0.00001; gnomAD 0.00002; ExAC 0.00001; gnomAD exomes 0.00001.
gnomAD v4.1: 21 of 1,613,612 alleles (0.0013%); highest among the groups gnomAD compares: East Asian, 0.0045%; no homozygotes.

Submissions (3):

Labcorp Genetics (formerly Invitae), Labcorp
Classification: Uncertain significance for Primary ciliary dyskinesia 28. Last evaluated: 2023-07-19. Review status: criteria provided, single submitter. Criteria: Invitae Variant Classification Sherloc (09022015). Collection method: clinical testing. Allele origin: germline.
Comment: In summary, the available evidence is currently insufficient to determine the role of this variant in disease. Therefore, it has been classified as a Variant of Uncertain Significance. Advanced modeling of protein sequence and biophysical properties (such as structural, functional, and spatial information, amino acid conservation, physicochemical variation, residue mobility, and thermodynamic stability) performed at Invitae indicates that this missense variant is expected to disrupt SPAG1 protein function. ClinVar contains an entry for this variant (Variation ID: 474657). This variant has not been reported in the literature in individuals affected with SPAG1-related conditions. This variant is present in population databases (rs774918839, gnomAD 0.003%). This sequence change replaces arginine, which is basic and polar, with glutamine, which is neutral and polar, at codon 577 of the SPAG1 protein (p.Arg577Gln).

Blueprint Genetics
Classification: Uncertain significance. Last evaluated: 2022-07-06. Review status: criteria provided, single submitter. Criteria: ACMG Guidelines, 2015. Collection method: clinical testing. Allele origin: germline.

Fulgent Genetics
Classification: Uncertain significance for Primary ciliary dyskinesia 28. Last evaluated: 2018-10-31. Review status: criteria provided, single submitter. Criteria: ACMG Guidelines, 2015. Collection method: clinical testing. Allele origin: unknown.

NM_003114.5(SPAG1):c.1730G>A (p.Arg577Gln)

Gene: SPAG1 (sperm associated antigen 1; plus strand). Cytogenetic location: 8q22.2.
Variant type: single nucleotide variant.
Coding change: c.1730G>A on transcript NM_003114.5 (MANE Select); coding-DNA position 1730, G replaced by A.
Protein change: p.Arg577Gln; replaces arginine 577 with glutamine.
Molecular consequence: missense variant.
Genome position (GRCh38, 1-based): chr8:100,225,214, G>A. VCF-style: chr8-100225214-G-A. GRCh37 (hg19) VCF-style: chr8-101237442-G-A.
Other names: c.1730G>A, p.Arg577Gln (NM_001374321.1, NM_172218.3); short protein forms R577Q.
Identifiers: ClinVar variation 474657 (VCV000474657.8), dbSNP rs774918839, ClinGen allele CA4827581.